The following is an entry in ClinVar:

ClinVar aggregate classification (germline): Uncertain significance (1 of 4 stars; one submission).

Submission:

Labcorp Genetics (formerly Invitae), Labcorp
Classification: Uncertain significance. Last evaluated: 2022-06-19. Review status: criteria provided, single submitter. Criteria: Invitae Variant Classification Sherloc (09022015). Collection method: clinical testing. Allele origin: germline.
Comment: This sequence change replaces isoleucine, which is neutral and non-polar, with valine, which is neutral and non-polar, at codon 1385 of the PCDH15 protein (p.Ile1385Val). This variant is present in population databases (no rsID available, gnomAD 0.006%). This variant has not been reported in the literature in individuals affected with PCDH15-related conditions. Algorithms developed to predict the effect of missense changes on protein structure and function are either unavailable or do not agree on the potential impact of this missense change (SIFT: "Tolerated"; PolyPhen-2: "Probably Damaging"; Align-GVGD: "Class C0"). In summary, the available evidence is currently insufficient to determine the role of this variant in disease. Therefore, it has been classified as a Variant of Uncertain Significance.

NM_001384140.1(PCDH15):c.4153A>G (p.Ile1385Val)

Gene: PCDH15 (protocadherin related 15; minus strand). Cytogenetic location: 10q21.1.
Variant type: single nucleotide variant.
Coding change: c.4153A>G on transcript NM_001384140.1 (MANE Select); coding-DNA position 4153, A replaced by G.
Protein change: p.Ile1385Val; replaces isoleucine 1385 with valine.
Molecular consequence: missense variant.
Genome position (GRCh38, 1-based): chr10:53,831,364, T>C on the plus strand (A>G on the coding strand, the complement: PCDH15 is on the minus strand). VCF-style: chr10-53831364-T-C. GRCh37 (hg19) VCF-style: chr10-55591124-T-C.
Other names: c.4168A>G, p.Ile1390Val (NM_001142763.2, NM_001142771.2); c.4153A>G, p.Ile1385Val (NM_001142764.2, NM_001142766.2, NM_001142770.3 and 4 more transcripts); c.3940A>G, p.Ile1314Val (NM_001142765.2); c.4042A>G, p.Ile1348Val (NM_001142767.2); c.4087A>G, p.Ile1363Val (NM_001142768.2, NM_001142773.2, NM_001354404.2); c.4189A>G, p.Ile1397Val (NM_001142769.4); c.4174A>G, p.Ile1392Val (NM_001354411.2); short protein forms I1314V, I1348V, I1397V, I1363V, I1390V, I1392V, I1385V.
Identifiers: ClinVar variation 1895493 (VCV001895493.2), dbSNP rs1483211482, ClinGen allele CA376528275.